The following is an entry in ClinVar:

NM_017951.5(SMPD4):c.1644C>T (p.Pro548=)

Gene: SMPD4 (sphingomyelin phosphodiesterase 4; minus strand). Cytogenetic location: 2q21.1.
Variant type: single nucleotide variant.
Coding change: c.1644C>T on transcript NM_017951.5 (MANE Select); coding-DNA position 1644, C replaced by T.
Protein change: p.Pro548=; no amino-acid change (proline 548 retained).
Molecular consequence: synonymous variant. On other transcripts: non-coding transcript variant (2).
Genome position (GRCh38, 1-based): chr2:130,154,292, G>A on the plus strand (C>T on the coding strand, the complement: SMPD4 is on the minus strand). VCF-style: chr2-130154292-G-A. GRCh37 (hg19) VCF-style: chr2-130911865-G-A.
Other names: c.1455C>T, p.Pro485= (NM_001171083.2); c.1674C>T, p.Pro558= (NM_017751.4).
Identifiers: ClinVar variation 2651357 (VCV002651357.24), dbSNP rs142500439, ClinGen allele CA1869692.

ClinVar aggregate classification (germline): Likely benign (1 of 4 stars; one submission).

Allele frequency attached by ClinVar (database versions not stated): gnomAD exomes 0.00014; ExAC 0.00052; gnomAD 0.00157; TOPMed 0.00173; 1000 Genomes Project 0.00180; ESP Exome Variant Server 0.00215; 1000 Genomes Project 30x 0.00265.
gnomAD v4.1: 450 of 1,605,486 alleles (0.028%); highest among the groups gnomAD compares: African/African-American, 0.51%; 2 homozygotes.

Submission:

CeGaT Center for Human Genetics Tuebingen
Classification: Likely benign. Last evaluated: 2023-03-01. Review status: criteria provided, single submitter. Criteria: CeGaT Center For Human Genetics Tuebingen Variant Classification Criteria Version 2. Collection method: clinical testing. Allele origin: germline. Affected: yes. Observed: 1 variant allele.
Comment: SMPD4: BP4, BP7